The following is an entry in ClinVar:

ClinVar aggregate classification (germline): Likely benign. Review status: criteria provided, multiple submitters, no conflicts (2 of 4 stars). 2 submissions from 2 submitters: Likely benign (2). Last evaluated 2025-04-28.

gnomAD v4.1: 24 of 1,613,978 alleles (0.0015%); highest among the groups gnomAD compares: East Asian, 0.0067%; no homozygotes.

Submissions (2):

Ambry Genetics
Classification: Likely benign. Last evaluated: 2025-04-28. Review status: criteria provided, single submitter. Criteria: Ambry Variant Classification Scheme 2023. Collection method: clinical testing. Allele origin: germline.

CeGaT Center for Human Genetics Tuebingen
Classification: Likely benign. Last evaluated: 2024-08-01. Review status: criteria provided, single submitter. Criteria: CeGaT Center For Human Genetics Tuebingen Variant Classification Criteria Version 2. Collection method: clinical testing. Allele origin: germline. Affected: yes. Observed: 1 variant allele.
Comment: SPAG17: BP4, BP7

NM_206996.4(SPAG17):c.1587C>T (p.His529=)

Gene: SPAG17 (sperm associated antigen 17; minus strand). Cytogenetic location: 1p12.
Variant type: single nucleotide variant.
Coding change: c.1587C>T on transcript NM_206996.4 (MANE Select); coding-DNA position 1587, C replaced by T.
Protein change: p.His529=; no amino-acid change (histidine 529 retained).
Molecular consequence: synonymous variant.
Genome position (GRCh38, 1-based): chr1:118,086,695, G>A on the plus strand (C>T on the coding strand, the complement: SPAG17 is on the minus strand). VCF-style: chr1-118086695-G-A. GRCh37 (hg19) VCF-style: chr1-118629318-G-A.
Other names: c.1587C>T (NM_206996.2).
Identifiers: ClinVar variation 3341842 (VCV003341842.16).